The following is an entry in ClinVar:

ClinVar aggregate classification (germline): Uncertain significance (1 of 4 stars; one submission).

Submission:

Labcorp Genetics (formerly Invitae), Labcorp
Classification: Uncertain significance. Last evaluated: 2022-08-12. Review status: criteria provided, single submitter. Criteria: Invitae Variant Classification Sherloc (09022015). Collection method: clinical testing. Allele origin: germline.
Comment: This variant is not present in population databases (gnomAD no frequency). This sequence change replaces valine, which is neutral and non-polar, with isoleucine, which is neutral and non-polar, at codon 2321 of the UNC80 protein (p.Val2321Ile). In summary, the available evidence is currently insufficient to determine the role of this variant in disease. Therefore, it has been classified as a Variant of Uncertain Significance. Algorithms developed to predict the effect of missense changes on protein structure and function are either unavailable or do not agree on the potential impact of this missense change (SIFT: "Not Available"; PolyPhen-2: "Probably Damaging"; Align-GVGD: "Not Available"). This variant has not been reported in the literature in individuals affected with UNC80-related conditions.

NM_001371986.1(UNC80):c.7159G>A (p.Val2387Ile)

Gene: UNC80 (unc-80 subunit of NALCN channel complex; plus strand). Cytogenetic location: 2q34.
Variant type: single nucleotide variant.
Coding change: c.7159G>A on transcript NM_001371986.1 (MANE Select); coding-DNA position 7159, G replaced by A.
Protein change: p.Val2387Ile; replaces valine 2387 with isoleucine.
Molecular consequence: missense variant.
Genome position (GRCh38, 1-based): chr2:209,945,159, G>A. VCF-style: chr2-209945159-G-A. GRCh37 (hg19) VCF-style: chr2-210809883-G-A.
Other names: c.6961G>A, p.Val2321Ile (NM_032504.2); c.6946G>A, p.Val2316Ile (NM_182587.4); short protein forms V2321I, V2316I, V2387I.
Identifiers: ClinVar variation 1913995 (VCV001913995.5), dbSNP rs2471178874, ClinGen allele CA350774092.
Genomic context (GRCh38, chr2:209,945,159, plus strand): 5'-TTTGACTTGCTGCAGTCCCTAGAGGGAGAGACCACCGACATATTAGACATCTTAGAGCTG[G>A]TCAAAGCTGAGAAGCCTCTCAAGTCATTAGGTAAAAGCAAAACTTGCTTTGACATTCTTT-3'
Protein context (NP_001358915.1, residues 2377-2397): TTDILDILEL[Val2387Ile]KAEKPLKSLD